The following is an entry in ClinVar:

NM_000404.4(GLB1):c.401G>T (p.Gly134Val)

Gene: GLB1 (galactosidase beta 1; minus strand). Cytogenetic location: 3p22.3.
Variant type: single nucleotide variant.
Coding change: c.401G>T on transcript NM_000404.4 (MANE Select); coding-DNA position 401, G replaced by T.
Protein change: p.Gly134Val; replaces glycine 134 with valine.
Molecular consequence: missense variant. On other transcripts: intron variant (1).
Genome position (GRCh38, 1-based): chr3:33,068,286, C>A on the plus strand (G>T on the coding strand, the complement: GLB1 is on the minus strand). VCF-style: chr3-33068286-C-A. GRCh37 (hg19) VCF-style: chr3-33109778-C-A.
Other names: c.311G>T, p.Gly104Val (NM_001079811.3); c.545G>T, p.Gly182Val (NM_001317040.2); c.401G>T, p.Gly134Val (NM_001393580.1); c.246-2729G>T (NM_001135602.3); short protein forms G134V, G182V, G104V.
Identifiers: ClinVar variation 556153 (VCV000556153.7), dbSNP rs773562141, ClinGen allele CA2299710.
Genomic context (GRCh38, chr3:33,068,286, plus strand): 5'-CTACCTGGGTCGGAGGAGCGGAGAAGAATAGACTCTTTCTCTAGCAGCCAAGCAGGTAAT[C>A]CTCCCTAGTTCAGGGAAAACAAGCCATTATAATGTCTGTTCCGTGAAGGGTGCTCAGAGG-3'
Protein context (NP_000395.3, residues 124-144): PYICAEWEMG[Gly134Val]LPAWLLEKES

ClinVar aggregate classification (germline): Pathogenic. Review status: criteria provided, single submitter (1 of 4 stars). 2 submissions from 2 submitters: Pathogenic (1). 1 of the submissions does not count toward it. Last evaluated 2024-07-23.

Conditions:
GM1 gangliosidosis type 3. Also called: GANGLIOSIDOSIS, GENERALIZED GM1, ADULT TYPE; GANGLIOSIDOSIS, GENERALIZED GM1, CHRONIC TYPE; GANGLIOSIDOSIS, GENERALIZED GM1, TYPE III; GM1-GANGLIOSIDOSIS, TYPE III; Beta-galactosidase deficiency; Adult GM1 gangliosidosis. Identifiers: Orphanet 79257, MedGen C0268273, MONDO:0009262, OMIM 230650.
GM1 gangliosidosis type 2. Also called: GANGLIOSIDOSIS, GENERALIZED GM1, JUVENILE TYPE; GANGLIOSIDOSIS, GENERALIZED GM1, TYPE II; GM1-GANGLIOSIDOSIS, TYPE II; Juvenile GM>1< gangliosidosis; Gangliosidosis, Generalized GM1, Type 2. Identifiers: Orphanet 354, Orphanet 79256, MedGen C0268272, MONDO:0009261, OMIM 230600.
Infantile GM1 gangliosidosis. Also called: GM1 gangliosidosis type 1; GM1-gangliosidosis, type I; Gangliosidosis, generalized GM1, infantile form; GLB1 deficiency; Gangliosidosis, Generalized GM1, Type 1. Identifiers: Orphanet 354, Orphanet 79255, MedGen C0268271, MONDO:0009260, OMIM 230500.
Mucopolysaccharidosis, MPS-IV-B (MPS4B). Also called: Mucopolysaccharidosis type 4B; Mucopolysaccharidosis Type IVB (Morquio B Disease); MORQUIO SYNDROME B; Mucopolysaccharidosis type IVB (Morquio); MPS IVB; Mucopolysaccharidosis type IV B. Identifiers: Orphanet 309310, Orphanet 582, MedGen C0086652, MONDO:0009660, OMIM 253010.
GM1 gangliosidosis. Identifiers: Orphanet 354, MedGen C0085131, MONDO:0018149.

Allele frequency attached by ClinVar (database versions not stated): gnomAD exomes below 0.00001; ExAC 0.00001.
gnomAD v4.1: 1 of 1,614,024 alleles (0.000062%); highest among the groups gnomAD compares: Non-Finnish European, 0.000085%; no homozygotes.

Submissions (2):

Labcorp Genetics (formerly Invitae), Labcorp
Classification: Pathogenic for Mucopolysaccharidosis, MPS-IV-B; GM1 gangliosidosis. Last evaluated: 2024-07-23. Review status: criteria provided, single submitter. Criteria: Invitae Variant Classification Sherloc (09022015). Collection method: clinical testing. Allele origin: germline.
Comment: This sequence change replaces glycine, which is neutral and non-polar, with valine, which is neutral and non-polar, at codon 134 of the GLB1 protein (p.Gly134Val). This variant is present in population databases (rs773562141, gnomAD 0.0009%). This missense change has been observed in individual(s) with GM1-gangliosidosis and/or mucopolysaccharidosis type IVB (PMID: 17309651, 33558080). In at least one individual the data is consistent with being in trans (on the opposite chromosome) from a pathogenic variant. It has also been observed to segregate with disease in related individuals. ClinVar contains an entry for this variant (Variation ID: 556153). Advanced modeling of protein sequence and biophysical properties (such as structural, functional, and spatial information, amino acid conservation, physicochemical variation, residue mobility, and thermodynamic stability) performed at Invitae indicates that this missense variant is expected to disrupt GLB1 protein function with a positive predictive value of 95%. This variant disrupts the p.Gly134 amino acid residue in GLB1. Other variant(s) that disrupt this residue have been observed in individuals with GLB1-related conditions (PMID: 25936995), which suggests that this may be a clinically significant amino acid residue. For these reasons, this variant has been classified as Pathogenic.

Counsyl
Classification: Uncertain significance for Infantile GM1 gangliosidosis; GM1 gangliosidosis type 2; GM1 gangliosidosis type 3; Mucopolysaccharidosis, MPS-IV-B. Last evaluated: 2018-01-16. Review status: no assertion criteria provided. Collection method: clinical testing. Allele origin: unknown. Not counted in ClinVar's aggregate classification.

Literature cited by the submitters: PubMed 17309651 (cited by Labcorp Genetics (formerly Invitae), Labcorp and Counsyl); PubMed 33558080 (cited by Labcorp Genetics (formerly Invitae), Labcorp); PubMed 25936995 (cited by Labcorp Genetics (formerly Invitae), Labcorp); PubMed 22128166 (cited by Counsyl); PubMed 23337983 (cited by Counsyl); PubMed 21520340 (cited by Counsyl).